The following is an entry in ClinVar:

NM_000257.4(MYH7):c.918C>A (p.Asn306Lys)

Gene: MYH7 (myosin heavy chain 7; minus strand). Cytogenetic location: 14q11.2.
Variant type: single nucleotide variant.
Coding change: c.918C>A on transcript NM_000257.4 (MANE Select); coding-DNA position 918, C replaced by A.
Protein change: p.Asn306Lys; replaces asparagine 306 with lysine.
Molecular consequence: missense variant.
Genome position (GRCh38, 1-based): chr14:23,430,641, G>T on the plus strand (C>A on the coding strand, the complement: MYH7 is on the minus strand). VCF-style: chr14-23430641-G-T. GRCh37 (hg19) VCF-style: chr14-23899850-G-T.
Other names: short protein forms N306K.
Identifiers: ClinVar variation 1380363 (VCV001380363.7), dbSNP rs1043038056, ClinGen allele CA389051756.

ClinVar aggregate classification (germline): Uncertain significance. Review status: criteria provided, multiple submitters, no conflicts (2 of 4 stars). 2 submissions from 2 submitters: Uncertain significance (2). Last evaluated 2024-03-13.

Conditions:
Hypertrophic cardiomyopathy. Also called: HYPERTROPHIC MYOCARDIOPATHY. Identifiers: Orphanet 217569, MedGen C0007194, MeSH D002312, MONDO:0005045, HP:0001639.
Cardiovascular phenotype. Identifiers: MedGen CN230736.

Submissions (2):

Ambry Genetics
Classification: Uncertain significance for Cardiovascular phenotype. Last evaluated: 2024-03-13. Review status: criteria provided, single submitter. Criteria: Ambry Variant Classification Scheme 2023. Collection method: clinical testing. Allele origin: germline.
Comment: The p.N306K variant (also known as c.918C>A), located in coding exon 9 of the MYH7 gene, results from a C to A substitution at nucleotide position 918. The asparagine at codon 306 is replaced by lysine, an amino acid with similar properties. This alteration is located in the myosin head domain, which contains a statistically significant clustering of pathogenic missense variants (Homburger JR et al. Proc Natl Acad Sci U S A, 2016 06;113:6701-6; Walsh R et al. Genet Med, 2017 02;19:192-203; Ambry internal data). This amino acid position is highly conserved in available vertebrate species. In addition, the in silico prediction for this alteration is inconclusive. Based on the available evidence, the clinical significance of this alteration remains unclear.

Labcorp Genetics (formerly Invitae), Labcorp
Classification: Uncertain significance for Hypertrophic cardiomyopathy. Last evaluated: 2022-03-02. Review status: criteria provided, single submitter. Criteria: Invitae Variant Classification Sherloc (09022015). Collection method: clinical testing. Allele origin: germline.
Comment: Algorithms developed to predict the effect of missense changes on protein structure and function are either unavailable or do not agree on the potential impact of this missense change (SIFT: "Deleterious"; PolyPhen-2: "Probably Damaging"; Align-GVGD: "Class C0"). This sequence change replaces asparagine, which is neutral and polar, with lysine, which is basic and polar, at codon 306 of the MYH7 protein (p.Asn306Lys). This variant is not present in population databases (gnomAD no frequency). This missense change has been observed in individual(s) with clinical features of hypertrophic cardiomyopathy (Invitae). This variant is found within a region of MYH7 between codons 181 and 937 that contains the majority of the myosin head domain. Missense variants in this region have been shown to be significantly overrepresented in individuals with hypertrophic cardiomyopathy (PMID: 27532257). In summary, the available evidence is currently insufficient to determine the role of this variant in disease. Therefore, it has been classified as a Variant of Uncertain Significance.

Literature cited by the submitters: PubMed 27532257 (cited by Labcorp Genetics (formerly Invitae), Labcorp).